The following is an entry in ClinVar:

NM_018075.5(ANO10):c.1121_1145del (p.Asn374fs)

Gene: ANO10 (anoctamin 10; minus strand). Cytogenetic location: 3p22.1.
Variant type: Deletion.
Coding change: c.1121_1145del on transcript NM_018075.5 (MANE Select); coding-DNA positions 1121 to 1145, 25 bases deleted (ATCGTCTCTATCGATATGCTGCCGA).
Protein change: p.Asn374fs; shifts the reading frame from asparagine 374.
Molecular consequence: frameshift variant. On other transcripts: intron variant (1).
Genome position (GRCh38, 1-based): chr3:43,576,709-43,576,733, TCGGCAGCATATCGATAGAGACGAT deleted on the plus strand (ATCGTCTCTATCGATATGCTGCCGA on the coding strand, the reverse complement: ANO10 is on the minus strand); deleting any 25 consecutive bases within chr3:43,576,709-43,576,735 gives the same sequence; the c. name uses the placement nearest the transcript's 3' end. VCF-style (leftmost placement, unchanged base first): chr3-43576708-CTCGGCAGCATATCGATAGAGACGAT-C. GRCh37 (hg19) VCF-style: chr3-43618200-CTCGGCAGCATATCGATAGAGACGAT-C.
Other names: c.1121_1145del, p.Asn374fs (NM_001204831.3, NM_001346463.2, NM_001346464.2 and 3 more transcripts); c.923_947del, p.Asn308fs (NM_001204832.3, NM_001346466.2, NM_001346469.2); c.788_812del, p.Asn263fs (NM_001204833.3); c.593-1869_593-1845del (NM_001204834.3); short protein forms N374fs, N308fs, N263fs.
Identifiers: ClinVar variation 3589163 (VCV003589163.4).

ClinVar aggregate classification (germline): Pathogenic/Likely pathogenic. Review status: criteria provided, multiple submitters, no conflicts (2 of 4 stars). 3 submissions from 3 submitters: Pathogenic (2); Likely pathogenic (1). Last evaluated 2026-08-26.

Conditions:
Autosomal recessive spinocerebellar ataxia 10. Identifiers: Orphanet 284289, MedGen C3150998, MONDO:0013392, OMIM 613728.

Submissions (3):

Myriad Genetics, Inc.
Classification: Pathogenic for Autosomal recessive spinocerebellar ataxia 10. Last evaluated: 2026-08-26. Review status: criteria provided, single submitter. Criteria: Myriad Autosomal Dominant, Autosomal Recessive and X-Linked Classification Criteria (2023). Collection method: clinical testing. Allele origin: unknown.
Comment: NM_018075.3(ANO10):c.1121_1145del25(N374Sfs*3) is a frameshift variant classified as pathogenic in the context of spinocerebellar ataxia, ANO10-related. N374Sfs*3 has not been observed in cases with relevant disease. Relevant functional assessments of this variant are not available in the literature. N374Sfs*3 has not been observed in referenced population frequency databases. In summary, NM_018075.3(ANO10):c.1121_1145del25(N374Sfs*3) is a frameshift variant in a gene where loss of function is a known mechanism of disease and is predicted to disrupt protein function. Please note: this variant was assessed in the context of healthy population screening.

Fulgent Genetics
Classification: Likely pathogenic for Autosomal recessive spinocerebellar ataxia 10. Last evaluated: 2024-03-13. Review status: criteria provided, single submitter. Criteria: ACMG Guidelines, 2015. Collection method: clinical testing. Allele origin: germline.

Labcorp Genetics (formerly Invitae), Labcorp
Classification: Pathogenic. Last evaluated: 2024-01-31. Review status: criteria provided, single submitter. Criteria: Invitae Variant Classification Sherloc (09022015). Collection method: clinical testing. Allele origin: germline.
Comment: This sequence change creates a premature translational stop signal (p.Asn374Serfs*3) in the ANO10 gene. It is expected to result in an absent or disrupted protein product. Loss-of-function variants in ANO10 are known to be pathogenic (PMID: 25089919). This variant is not present in population databases (gnomAD no frequency). This variant has not been reported in the literature in individuals affected with ANO10-related conditions. For these reasons, this variant has been classified as Pathogenic.

Literature cited by the submitters: PubMed 25089919 (cited by Labcorp Genetics (formerly Invitae), Labcorp).